The following is an entry in ClinVar:

NM_001036.6(RYR3):c.6937G>A (p.Ala2313Thr)

Gene: RYR3 (ryanodine receptor 3; plus strand). Cytogenetic location: 15q14.
Variant type: single nucleotide variant.
Coding change: c.6937G>A on transcript NM_001036.6 (MANE Select); coding-DNA position 6937, G replaced by A.
Protein change: p.Ala2313Thr; replaces alanine 2313 with threonine.
Molecular consequence: missense variant.
Genome position (GRCh38, 1-based): chr15:33,726,410, G>A. VCF-style: chr15-33726410-G-A. GRCh37 (hg19) VCF-style: chr15-34018611-G-A.
Other names: c.6937G>A, p.Ala2313Thr (NM_001243996.4); short protein forms A2313T.
Identifiers: ClinVar variation 530980 (VCV000530980.9), dbSNP rs373358710, ClinGen allele CA268545785.

ClinVar aggregate classification (germline): Uncertain significance (1 of 4 stars; one submission).

Conditions:
Epileptic encephalopathy. Identifiers: MedGen C0543888, HP:0200134.

Allele frequency attached by ClinVar (database versions not stated): gnomAD exomes below 0.00001; TOPMed 0.00002; gnomAD 0.00003; ESP Exome Variant Server 0.00008.
gnomAD v4.1: 8 of 1,612,966 alleles (0.0005%); highest among the groups gnomAD compares: African/African-American, 0.011%; no homozygotes.

Submission:

Labcorp Genetics (formerly Invitae), Labcorp
Classification: Uncertain significance for Epileptic encephalopathy. Last evaluated: 2022-11-01. Review status: criteria provided, single submitter. Criteria: Invitae Variant Classification Sherloc (09022015). Collection method: clinical testing. Allele origin: germline.
Comment: In summary, the available evidence is currently insufficient to determine the role of this variant in disease. Therefore, it has been classified as a Variant of Uncertain Significance. Advanced modeling of protein sequence and biophysical properties (such as structural, functional, and spatial information, amino acid conservation, physicochemical variation, residue mobility, and thermodynamic stability) performed at Invitae indicates that this missense variant is expected to disrupt RYR3 protein function. ClinVar contains an entry for this variant (Variation ID: 530980). This variant has not been reported in the literature in individuals affected with RYR3-related conditions. This variant is present in population databases (rs373358710, gnomAD 0.01%). This sequence change replaces alanine, which is neutral and non-polar, with threonine, which is neutral and polar, at codon 2313 of the RYR3 protein (p.Ala2313Thr).